The following is an entry in ClinVar:

NM_002764.4(PRPS1):c.346C>G (p.Leu116Val)

Gene: PRPS1 (phosphoribosyl pyrophosphate synthetase 1; plus strand). Cytogenetic location: Xq22.3.
Variant type: single nucleotide variant.
Coding change: c.346C>G on transcript NM_002764.4 (MANE Select); coding-DNA position 346, C replaced by G.
Protein change: p.Leu116Val; replaces leucine 116 with valine.
Molecular consequence: missense variant. On other transcripts: intron variant (1).
Genome position (GRCh38, 1-based): chrX:107,640,941, C>G. VCF-style: chrX-107640941-C-G. GRCh37 (hg19) VCF-style: chrX-106884171-C-G.
Other names: c.-82-4236C>G (NM_001204402.2); short protein forms L116V.
Identifiers: ClinVar variation 1312136 (VCV001312136.2), dbSNP rs2147682395, ClinGen allele CA413806764.

ClinVar aggregate classification (germline): Uncertain significance (1 of 4 stars; one submission).

Submission:

GeneDx
Classification: Uncertain significance. Last evaluated: 2019-09-06. Review status: criteria provided, single submitter. Criteria: GeneDx Variant Classification Process June 2021. Collection method: clinical testing. Allele origin: germline. Affected: yes.
Comment: Not observed in large population cohorts (Lek et al., 2016); In silico analysis, which includes protein predictors and evolutionary conservation, supports a deleterious effect; Has not been previously published as pathogenic or benign to our knowledge